The following is an entry in ClinVar:

NM_000548.5(TSC2):c.1339G>A (p.Ala447Thr)

Gene: TSC2 (TSC complex subunit 2; plus strand). Cytogenetic location: 16p13.3.
Variant type: single nucleotide variant.
Coding change: c.1339G>A on transcript NM_000548.5 (MANE Select); coding-DNA position 1339, G replaced by A.
Protein change: p.Ala447Thr; replaces alanine 447 with threonine.
Molecular consequence: missense variant.
Genome position (GRCh38, 1-based): chr16:2,062,578, G>A. VCF-style: chr16-2062578-G-A. GRCh37 (hg19) VCF-style: chr16-2112579-G-A.
Other names: c.1339G>A, p.Ala447Thr (NM_001077183.3, NM_001114382.3, NM_001363528.2 and 3 more transcripts); c.1228G>A, p.Ala410Thr (NM_001318827.2); c.1192G>A, p.Ala398Thr (NM_001318829.2); c.739G>A, p.Ala247Thr (NM_001318831.2); c.1372G>A, p.Ala458Thr (NM_001318832.2); short protein forms A398T, A458T, A247T, A410T, A447T.
Identifiers: ClinVar variation 640712 (VCV000640712.12), dbSNP rs1408196847, ClinGen allele CA394322556.

ClinVar aggregate classification (germline): Conflicting classifications of pathogenicity. Review status: criteria provided, conflicting classifications (1 of 4 stars). 4 submissions from 4 submitters: Uncertain significance (2); Benign (1); Likely benign (1). Last evaluated 2025-10-28.

Conditions:
Tuberous sclerosis 2 (TSC2). Identifiers: Orphanet 805, MedGen C1860707, MONDO:0013199, OMIM 613254.
Tuberous sclerosis syndrome (TSC). Also called: Tuberous sclerosis; Tuberous Sclerosis Complex. Identifiers: Orphanet 805, MedGen C0041341, MONDO:0001734.
Hereditary cancer-predisposing syndrome. Also called: Neoplastic Syndromes, Hereditary; Hereditary Cancer Syndrome; Hereditary neoplastic syndrome; Tumor predisposition. Identifiers: Orphanet 140162, MedGen C0027672, MeSH D009386, MONDO:0015356.

Allele frequency attached by ClinVar (database versions not stated): gnomAD exomes below 0.00001 and 0.00001; gnomAD 0.00001; TOPMed 0.00001.
gnomAD v4.1: 5 of 1,610,498 alleles (0.00031%); highest among the groups gnomAD compares: African/African-American, 0.004%; no homozygotes.

Submissions (4):

Labcorp Genetics (formerly Invitae), Labcorp
Classification: Benign for Tuberous sclerosis 2. Last evaluated: 2025-10-28. Review status: criteria provided, single submitter. Criteria: Invitae Variant Classification Sherloc (09022015). Collection method: clinical testing. Allele origin: germline.

Color Diagnostics, LLC DBA Color Health
Classification: Uncertain significance for Tuberous sclerosis syndrome. Last evaluated: 2025-08-28. Review status: criteria provided, single submitter. Criteria: ACMG Guidelines, 2015. Collection method: clinical testing. Allele origin: germline.
Comment: This missense variant replaces alanine with threonine at codon 447 of the TSC2 protein. Computational prediction is inconclusive regarding the impact of this variant on protein structure and function. To our knowledge, functional studies have not been reported for this variant. This variant has not been reported in individuals affected with TSC2-related disorders in the literature. This variant has been identified in 2/243980 chromosomes in the general population by the Genome Aggregation Database (gnomAD). The available evidence is insufficient to determine the role of this variant in disease conclusively. Therefore, this variant is classified as a Variant of Uncertain Significance.

Myriad Genetics, Inc.
Classification: Likely benign for Tuberous sclerosis 2. Last evaluated: 2024-08-08. Review status: criteria provided, single submitter. Criteria: Myriad Autosomal Dominant, Autosomal Recessive and X-Linked Classification Criteria (2023). Collection method: clinical testing. Allele origin: unknown.
Comment: This variant is considered likely benign. This variant has been observed at a population frequency that is significantly greater than expected given the associated disease prevalence and penetrance.

Ambry Genetics
Classification: Uncertain significance for Hereditary cancer-predisposing syndrome. Last evaluated: 2024-07-25. Review status: criteria provided, single submitter. Criteria: Ambry Variant Classification Scheme 2023. Collection method: clinical testing. Allele origin: germline.
Comment: The p.A447T variant (also known as c.1339G>A), located in coding exon 12 of the TSC2 gene, results from a G to A substitution at nucleotide position 1339. The alanine at codon 447 is replaced by threonine, an amino acid with similar properties. This amino acid position is poorly conserved in available vertebrate species. In addition, this alteration is predicted to be tolerated by in silico analysis. Based on the available evidence, the clinical significance of this variant remains unclear.